The following is an entry in ClinVar:

NM_021120.4(DLG3):c.1792G>A (p.Asp598Asn)

Gene: DLG3 (discs large MAGUK scaffold protein 3; plus strand). Cytogenetic location: Xq13.1.
Variant type: single nucleotide variant.
Coding change: c.1792G>A on transcript NM_021120.4 (MANE Select); coding-DNA position 1792, G replaced by A.
Protein change: p.Asp598Asn; replaces aspartic acid 598 with asparagine.
Molecular consequence: missense variant. On other transcripts: intron variant (2).
Genome position (GRCh38, 1-based): chrX:70,495,426, G>A. VCF-style: chrX-70495426-G-A. GRCh37 (hg19) VCF-style: chrX-69715276-G-A.
Other names: c.863-1754G>A (NM_020730.3); c.425-1754G>A (NM_001166278.2); short protein forms D598N.
Identifiers: ClinVar variation 3770149 (VCV003770149.1).
Genomic context (GRCh38, chrX:70,495,426, plus strand): 5'-TCCCCGTCGTCCTCTCTCCGCCCTTGCTGTCTGTGAAATCAGGACTTCCCGGGGTTAAGT[G>A]ACGATTATTATGGAGCAAAGAACCTGAGTAAGTCCAACTTACACACCGTTCACTGTACTT-3'
Protein context (NP_066943.2, residues 588-608): ESNRDFPGLS[Asp598Asn]DYYGAKNLKG

ClinVar aggregate classification (germline): Uncertain significance (1 of 4 stars; one submission).

Conditions:
Intellectual developmental disorder, X-linked 90. Also called: DLG3-Related X-Linked Nonsyndromic Mental Retardation; Intellectual disability, X-linked 90. Identifiers: Orphanet 777, MedGen C3275443, MONDO:0010452, OMIM 300850.

Submission:

Equipe Genetique des Anomalies du Developpement, Université de Bourgogne
Classification: Uncertain significance for Intellectual developmental disorder, X-linked 90. Last evaluated: 2025-01-31. Review status: criteria provided, single submitter. Criteria: ACMG Guidelines, 2015. Collection method: curation. Allele origin: germline. Affected: yes.
Comment: Literature review. This variant is a missense which replaces an aspartic acid with an asparagine at position 598. Hemizygous pathogenic variants in DLG3 are reported in an autosomal dominant intellectual disability (OMIM #300850). This variant is not present in gnomAD (v4.1.0) and has not been reported in ClinVar. It has been reported in the literature (PMID:34490615). In silico prediction scores are inconclusive. Based on these evidences, the variant was classified as of uncertain significance.

Literature cited by the submitters: PubMed 34490615.